The following is an entry in ClinVar:

ClinVar aggregate classification (germline): Pathogenic (1 of 4 stars; one submission).

Submission:

GeneDx
Classification: Pathogenic. Last evaluated: 2024-10-02. Review status: criteria provided, single submitter. Criteria: GeneDx Variant Classification Process June 2021. Collection method: clinical testing. Allele origin: germline. Affected: yes.
Comment: Not observed at significant frequency in large population cohorts (gnomAD); In silico analysis supports that this missense variant has a deleterious effect on protein structure/function; Has not been previously published as pathogenic or benign to our knowledge

NM_078480.3(PUF60):c.388C>T (p.Arg130Cys)

Gene: PUF60 (poly(U) binding splicing factor 60; minus strand). Cytogenetic location: 8q24.3.
Variant type: single nucleotide variant.
Coding change: c.388C>T on transcript NM_078480.3 (MANE Select); coding-DNA position 388, C replaced by T.
Protein change: p.Arg130Cys; replaces arginine 130 with cysteine.
Molecular consequence: missense variant.
Genome position (GRCh38, 1-based): chr8:143,818,495, G>A on the plus strand (C>T on the coding strand, the complement: PUF60 is on the minus strand). VCF-style: chr8-143818495-G-A. GRCh37 (hg19) VCF-style: chr8-144900665-G-A.
Other names: c.259C>T, p.Arg87Cys (NM_001136033.3); c.334C>T, p.Arg112Cys (NM_001271096.2); c.250C>T, p.Arg84Cys (NM_001271097.2); c.385C>T, p.Arg129Cys (NM_001271098.2); c.301C>T, p.Arg101Cys (NM_001271099.2); c.208C>T, p.Arg70Cys (NM_001271100.2); c.499C>T, p.Arg167Cys (NM_001362895.2, NM_001362896.2); c.448C>T, p.Arg150Cys (NM_001362897.2); and 1 more; short protein forms R101C, R112C, R113C, R129C, R130C, R150C, R167C, R70C.
Identifiers: ClinVar variation 3777301 (VCV003777301.1).
Genomic context (GRCh38, chr8:143,818,495, plus strand): 5'-CAAAGGCCTGGCGGATGGTGTCCTCCCCCAGCTCATAGTAGATAGAGCCCACGTAGACGC[G>A]GCACATGATGGCCAGCGCCCGCTGCCGCTGAGCCGCCATCTGCAGCAGGACAGAGGGGAG-3'
Protein context (NP_510965.1, residues 120-140): QRQRALAIMC[Arg130Cys]VYVGSIYYEL